The following is an entry in ClinVar:

NM_001024630.4(RUNX2):c.423+2T>G

Gene: RUNX2 (RUNX family transcription factor 2; plus strand). Cytogenetic location: 6p21.1.
Variant type: single nucleotide variant.
Coding change: c.423+2T>G on transcript NM_001024630.4 (MANE Select); the canonical splice donor site of the intron after coding-DNA position 423, T replaced by G.
Molecular consequence: splice donor variant.
Genome position (GRCh38, 1-based): chr6:45,422,959, T>G. VCF-style: chr6-45422959-T-G. GRCh37 (hg19) VCF-style: chr6-45390696-T-G.
Other names: c.423+2T>G (NM_001015051.4); c.381+2T>G (NM_001369405.1, NM_001278478.2).
Identifiers: ClinVar variation 1455184 (VCV001455184.6), dbSNP rs2150362688, ClinGen allele CA363958740.

ClinVar aggregate classification (germline): Pathogenic (1 of 4 stars; one submission).

Submission:

Labcorp Genetics (formerly Invitae), Labcorp
Classification: Pathogenic. Last evaluated: 2021-06-05. Review status: criteria provided, single submitter. Criteria: Invitae Variant Classification Sherloc (09022015). Collection method: clinical testing. Allele origin: germline.
Comment: This sequence change affects a donor splice site in intron 3 of the RUNX2 gene. RNA analysis indicates that this variant induces altered splicing and may result in an absent or disrupted protein product. This variant is not present in population databases (ExAC no frequency). Disruption of this splice site have been observed in individual(s) with cleidoncranial dysplasia (PMID: 16270353). In at least one individual the variant was observed to be de novo. Studies have shown that this variant is associated with exon 3 skipping, which introduces a premature termination codon (PMID: 16270353). The resulting mRNA is expected to undergo nonsense-mediated decay. For these reasons, this variant has been classified as Pathogenic.

Literature cited by the submitters: PubMed 16270353.